The following is an entry in ClinVar:

NM_003000.3(SDHB):c.437T>C (p.Phe146Ser)

Gene: SDHB (succinate dehydrogenase complex iron sulfur subunit B; minus strand). Cytogenetic location: 1p36.13.
Variant type: single nucleotide variant.
Coding change: c.437T>C on transcript NM_003000.3 (MANE Select); coding-DNA position 437, T replaced by C.
Protein change: p.Phe146Ser; replaces phenylalanine 146 with serine.
Molecular consequence: missense variant.
Genome position (GRCh38, 1-based): chr1:17,027,852, A>G on the plus strand (T>C on the coding strand, the complement: SDHB is on the minus strand). VCF-style: chr1-17027852-A-G. GRCh37 (hg19) VCF-style: chr1-17354347-A-G.
Other names: short protein forms F146S.
Identifiers: ClinVar variation 1358962 (VCV001358962.6), dbSNP rs2101521886, ClinGen allele CA338273397.

ClinVar aggregate classification (germline): Uncertain significance (1 of 4 stars; one submission).

Conditions:
Pheochromocytoma. Also called: MAX-Related Hereditary Paraganglioma-Pheochromocytoma Syndrome. Identifiers: Orphanet 29072, MedGen C0031511, MONDO:0008233, OMIM 171300, HP:0002666.
Pheochromocytoma/paraganglioma syndrome 4. Also called: CAROTID BODY TUMORS AND MULTIPLE EXTRAADRENAL PHEOCHROMOCYTOMAS; PARAGANGLIOMA, FAMILIAL MALIGNANT; PARAGANGLIOMAS, HEREDITARY EXTRAADRENAL; PHEOCHROMOCYTOMA, FAMILIAL EXTRAADRENAL; Paragangliomas 4; SDHB-Related Hereditary Paraganglioma-Pheochromocytoma Syndrome (Paragangliomas 4). Identifiers: Orphanet 29072, MedGen C1861848, MONDO:0007273, OMIM 115310.
Gastrointestinal stromal tumor. Also called: Gastrointestinal stroma tumor; Gastrointestinal stromal tumor, somatic. Identifiers: Orphanet 44890, MedGen C0238198, MeSH D046152, MONDO:0011719, OMIM 606764, HP:0100723.

Submission:

Labcorp Genetics (formerly Invitae), Labcorp
Classification: Uncertain significance for Gastrointestinal stromal tumor; Pheochromocytoma/paraganglioma syndrome 4; Pheochromocytoma. Last evaluated: 2021-10-12. Review status: criteria provided, single submitter. Criteria: Invitae Variant Classification Sherloc (09022015). Collection method: clinical testing. Allele origin: germline.
Comment: In summary, the available evidence is currently insufficient to determine the role of this variant in disease. Therefore, it has been classified as a Variant of Uncertain Significance. Advanced modeling of protein sequence and biophysical properties (such as structural, functional, and spatial information, amino acid conservation, physicochemical variation, residue mobility, and thermodynamic stability) performed at Invitae indicates that this missense variant is expected to disrupt SDHB protein function. This variant has not been reported in the literature in individuals affected with SDHB-related conditions. This variant is not present in population databases (ExAC no frequency). This sequence change replaces phenylalanine with serine at codon 146 of the SDHB protein (p.Phe146Ser). The phenylalanine residue is highly conserved and there is a large physicochemical difference between phenylalanine and serine.